The following is an entry in ClinVar:

NM_020442.6(VARS2):c.427A>T (p.Ile143Phe)

Gene: VARS2 (valyl-tRNA synthetase 2, mitochondrial; plus strand). Cytogenetic location: 6p21.33.
Variant type: single nucleotide variant.
Coding change: c.427A>T on transcript NM_020442.6 (MANE Select); coding-DNA position 427, A replaced by T.
Protein change: p.Ile143Phe; replaces isoleucine 143 with phenylalanine.
Molecular consequence: missense variant.
Genome position (GRCh38, 1-based): chr6:30,915,788, A>T. VCF-style: chr6-30915788-A-T. GRCh37 (hg19) VCF-style: chr6-30883565-A-T.
Other names: c.7A>T, p.Ile3Phe (NM_001167733.3); c.517A>T, p.Ile173Phe (NM_001167734.2); short protein forms I173F, I3F, I143F.
Identifiers: ClinVar variation 4740993 (VCV004740993.1).
Genomic context (GRCh38, chr6:30,915,788, plus strand): 5'-CTTTTTTTCTTCCTCTAGGCCCGGCTGCCCCAAGCTACAGGGGAGACCTTTTCCATGTGT[A>T]TCCCACCTCCCAATGTCACTGGCTCCCTGCACATTGGCCACGCACTCACGGTGGCCATAC-3'
Protein context (NP_065175.4, residues 133-153): QATGETFSMC[Ile143Phe]PPPNVTGSLH

ClinVar aggregate classification (germline): Uncertain significance (1 of 4 stars; one submission).

Submission:

Labcorp Genetics (formerly Invitae), Labcorp
Classification: Uncertain significance. Last evaluated: 2025-05-14. Review status: criteria provided, single submitter. Criteria: Invitae Variant Classification Sherloc (09022015). Collection method: clinical testing. Allele origin: germline.
Comment: This sequence change replaces isoleucine, which is neutral and non-polar, with phenylalanine, which is neutral and non-polar, at codon 173 of the VARS2 protein (p.Ile173Phe). This variant is not present in population databases (gnomAD no frequency). This variant has not been reported in the literature in individuals affected with VARS2-related conditions. Invitae Evidence Modeling of protein sequence and biophysical properties (such as structural, functional, and spatial information, amino acid conservation, physicochemical variation, residue mobility, and thermodynamic stability) indicates that this missense variant is not expected to disrupt VARS2 protein function with a negative predictive value of 80%. In summary, the available evidence is currently insufficient to determine the role of this variant in disease. Therefore, it has been classified as a Variant of Uncertain Significance.